The following is an entry in ClinVar:

NM_001205293.3(CACNA1E):c.6434C>T (p.Ser2145Phe)

Gene: CACNA1E (calcium voltage-gated channel subunit alpha1 E; plus strand). Cytogenetic location: 1q25.3.
Variant type: single nucleotide variant.
Coding change: c.6434C>T on transcript NM_001205293.3 (MANE Select); coding-DNA position 6434, C replaced by T.
Protein change: p.Ser2145Phe; replaces serine 2145 with phenylalanine.
Molecular consequence: missense variant.
Genome position (GRCh38, 1-based): chr1:181,798,326, C>T. VCF-style: chr1-181798326-C-T. GRCh37 (hg19) VCF-style: chr1-181767462-C-T.
Other names: c.6434C>T (NM_001205293.1); c.6305C>T, p.Ser2102Phe (NM_000721.4); c.6248C>T, p.Ser2083Phe (NM_001205294.2); short protein forms S2102F, S2083F, S2145F.
Identifiers: ClinVar variation 1393214 (VCV001393214.9), dbSNP rs189356042, ClinGen allele CA1276408.

ClinVar aggregate classification (germline): Conflicting classifications of pathogenicity. Review status: criteria provided, conflicting classifications (1 of 4 stars). 2 submissions from 2 submitters: Uncertain significance (1); Likely benign (1). Last evaluated 2025-09-08.

Conditions:
Inborn genetic diseases. Identifiers: MedGen C0950123, MeSH D030342.

Allele frequency attached by ClinVar (database versions not stated): ExAC 0.00002; gnomAD 0.00003 and 0.00004; TOPMed 0.00006; 1000 Genomes Project 30x 0.00016; 1000 Genomes Project 0.00020.
gnomAD v4.1: 9 of 1,604,642 alleles (0.00056%); highest among the groups gnomAD compares: African/African-American, 0.0093%; no homozygotes.

Submissions (2):

Labcorp Genetics (formerly Invitae), Labcorp
Classification: Uncertain significance. Last evaluated: 2025-09-08. Review status: criteria provided, single submitter. Criteria: Invitae Variant Classification Sherloc (09022015). Collection method: clinical testing. Allele origin: germline.
Comment: This sequence change replaces serine, which is neutral and polar, with phenylalanine, which is neutral and non-polar, at codon 2102 of the CACNA1E protein (p.Ser2102Phe). This variant is present in population databases (rs189356042, gnomAD 0.02%). This variant has not been reported in the literature in individuals affected with CACNA1E-related conditions. ClinVar contains an entry for this variant (Variation ID: 1393214). Invitae Evidence Modeling of protein sequence and biophysical properties (such as structural, functional, and spatial information, amino acid conservation, physicochemical variation, residue mobility, and thermodynamic stability) has been performed for this missense variant. However, the output from this modeling did not meet the statistical confidence thresholds required to predict the impact of this variant on CACNA1E protein function. In summary, the available evidence is currently insufficient to determine the role of this variant in disease. Therefore, it has been classified as a Variant of Uncertain Significance.

Ambry Genetics
Classification: Likely benign for Inborn genetic diseases. Last evaluated: 2021-09-17. Review status: criteria provided, single submitter. Criteria: Ambry Variant Classification Scheme 2023. Collection method: clinical testing. Allele origin: germline.